The following is an entry in ClinVar:

ClinVar aggregate classification (germline): Likely benign (1 of 4 stars; one submission).

Conditions:
WDR4-related disorder. Also called: WDR4-Related Disorders; WDR4-related condition.

gnomAD v4.1: 126 of 1,612,264 alleles (0.0078%); highest among the groups gnomAD compares: South Asian, 0.11%; 4 homozygotes.

Submission:

PreventionGenetics, part of Exact Sciences
Classification: Likely benign for WDR4-related condition. Last evaluated: 2025-12-07. Review status: criteria provided, single submitter. Criteria: ACMG Guidelines, 2015. Collection method: clinical testing. Allele origin: germline.
Comment: This variant is classified as likely benign based on ACMG/AMP sequence variant interpretation guidelines (Richards et al. 2015 PMID: 25741868, with internal and published modifications).

NM_018669.6(WDR4):c.791+10G>A

Gene: WDR4 (WDR4 tRNA N7-guanosine methyltransferase non-catalytic subunit; minus strand). Cytogenetic location: 21q22.3.
Variant type: single nucleotide variant.
Coding change: c.791+10G>A on transcript NM_018669.6 (MANE Select); 10 bases into the intron after coding-DNA position 791, G replaced by A.
Molecular consequence: intron variant.
Genome position (GRCh38, 1-based): chr21:42,854,552, C>T on the plus strand (G>A on the coding strand, the complement: WDR4 is on the minus strand). VCF-style: chr21-42854552-C-T. GRCh37 (hg19) VCF-style: chr21-44274662-C-T.
Other names: c.791+10G>A (NM_033661.5); c.353+10G>A (NM_001260476.2, NM_001260475.2, NM_001260477.2); c.788+10G>A (NM_001260474.2).
Identifiers: ClinVar variation 4980568 (VCV004980568.1).
Genomic context (GRCh38, chr21:42,854,552, plus strand): 5'-GCCAACCCGCTAACTCTTCCCCCTGCAGGTCTGCAGAACCGGAGGCCATAGAGGTGCCGC[C>T]GCAGCTTACCCGTCGCACAGGAGCGCCACGCAGTTCTCCTGGCACCAGAATGCAATCCTG-3'